The following is an entry in ClinVar:

NM_130849.4(SLC39A4):c.804G>A (p.Thr268=)

Gene: SLC39A4 (solute carrier family 39 member 4; minus strand). Cytogenetic location: 8q24.3.
Variant type: single nucleotide variant.
Coding change: c.804G>A on transcript NM_130849.4 (MANE Select); coding-DNA position 804, G replaced by A.
Protein change: p.Thr268=; no amino-acid change (threonine 268 retained).
Molecular consequence: synonymous variant.
Genome position (GRCh38, 1-based): chr8:144,414,974, C>T on the plus strand (G>A on the coding strand, the complement: SLC39A4 is on the minus strand). VCF-style: chr8-144414974-C-T. GRCh37 (hg19) VCF-style: chr8-145640358-C-T.
Other names: c.729G>A, p.Thr243= (NM_017767.3).
Identifiers: ClinVar variation 362250 (VCV000362250.6), dbSNP rs375732094, ClinGen allele CA4941537.

ClinVar aggregate classification (germline): Uncertain significance. Review status: criteria provided, multiple submitters, no conflicts (2 of 4 stars). 2 submissions from 2 submitters: Uncertain significance (2). Last evaluated 2019-03-27.

Conditions:
Hereditary acrodermatitis enteropathica (AEZ). Also called: Acrodermatitis enteropathica. Identifiers: Orphanet 37, MedGen C0221036, MONDO:0008713, OMIM 201100.

Allele frequency attached by ClinVar (database versions not stated): gnomAD exomes 0.00001; ExAC 0.00002; gnomAD 0.00002 and 0.00003; TOPMed 0.00002; ESP Exome Variant Server 0.00008.

Submissions (2):

Institute of Human Genetics, University of Leipzig Medical Center
Classification: Uncertain significance for Hereditary acrodermatitis enteropathica. Last evaluated: 2019-03-27. Review status: criteria provided, single submitter. Criteria: ACMG Guidelines, 2015. Collection method: clinical testing. Allele origin: germline. Affected: yes. Observed: 1 variant allele.
Comment: This variant was identified as homozygous

Illumina Laboratory Services, Illumina
Classification: Uncertain significance for Hereditary acrodermatitis enteropathica. Last evaluated: 2018-01-13. Review status: criteria provided, single submitter. Criteria: ICSL Variant Classification Criteria 13 December 2019. Collection method: clinical testing. Allele origin: germline.